The following is an entry in ClinVar:

ClinVar aggregate classification (germline): Uncertain significance (1 of 4 stars; one submission).

Submission:

CeGaT Center for Human Genetics Tuebingen
Classification: Uncertain significance. Last evaluated: 2023-08-01. Review status: criteria provided, single submitter. Criteria: CeGaT Center For Human Genetics Tuebingen Variant Classification Criteria Version 2. Collection method: clinical testing. Allele origin: germline. Affected: yes. Observed: 1 variant allele.
Comment: NEB: PM2

NM_001164508.2(NEB):c.10193C>T (p.Pro3398Leu)

Gene: NEB (nebulin; minus strand). Cytogenetic location: 2q23.3.
Variant type: single nucleotide variant.
Coding change: c.10193C>T on transcript NM_001164508.2 (MANE Select); coding-DNA position 10193, C replaced by T.
Protein change: p.Pro3398Leu; replaces proline 3398 with leucine.
Molecular consequence: missense variant.
Genome position (GRCh38, 1-based): chr2:151,627,156, G>A on the plus strand (C>T on the coding strand, the complement: NEB is on the minus strand). VCF-style: chr2-151627156-G-A. GRCh37 (hg19) VCF-style: chr2-152483670-G-A.
Other names: c.10193C>T, p.Pro3398Leu (NM_001164507.2, NM_001271208.2); c.9464C>T, p.Pro3155Leu (NM_004543.5); short protein forms P3155L, P3398L.
Identifiers: ClinVar variation 2651432 (VCV002651432.24), dbSNP rs2098541490, ClinGen allele CA348793407.